The following is an entry in ClinVar:

NM_019616.4(F7):c.940G>A (p.Val314Met)

Gene: F7 (coagulation factor VII; plus strand). Cytogenetic location: 13q34.
Variant type: single nucleotide variant.
Coding change: c.940G>A on transcript NM_019616.4 (MANE Select); coding-DNA position 940, G replaced by A.
Protein change: p.Val314Met; replaces valine 314 with methionine.
Molecular consequence: missense variant. On other transcripts: non-coding transcript variant (1).
Genome position (GRCh38, 1-based): chr13:113,118,613, G>A. VCF-style: chr13-113118613-G-A. GRCh37 (hg19) VCF-style: chr13-113772927-G-A.
Other names: c.1006G>A, p.Val336Met (NM_000131.5); c.754G>A, p.Val252Met (NM_001267554.2); short protein forms V252M, V314M, V336M.
Identifiers: ClinVar variation 881853 (VCV000881853.6), dbSNP rs374305125, ClinGen allele CA7060192.

ClinVar aggregate classification (germline): Uncertain significance. Review status: criteria provided, multiple submitters, no conflicts (2 of 4 stars). 2 submissions from 2 submitters: Uncertain significance (2). Last evaluated 2024-03-25.

Conditions:
Factor VII deficiency. Also called: F7 DEFICIENCY; HYPOPROCONVERTINEMIA; Factor 7 deficiency. Identifiers: MedGen C0015503, MeSH D005168, MONDO:0002244.

Allele frequency attached by ClinVar (database versions not stated): ExAC 0.00002; gnomAD exomes 0.00002; TOPMed 0.00002; ESP Exome Variant Server 0.00008.
gnomAD v4.1: 31 of 1,612,924 alleles (0.0019%); highest among the groups gnomAD compares: East Asian, 0.0045%; no homozygotes.

Submissions (2):

Women's Health and Genetics/Laboratory Corporation of America, LabCorp
Classification: Uncertain significance. Last evaluated: 2024-03-25. Review status: criteria provided, single submitter. Criteria: LabCorp Variant Classification Summary - May 2015. Collection method: clinical testing. Allele origin: germline.
Comment: Variant summary: F7 c.1006G>A (p.Val336Met) results in a conservative amino acid change located in the Serine proteases, trypsin domain (IPR001254) of the encoded protein sequence. Four of five in-silico tools predict a benign effect of the variant on protein function. The variant allele was found at a frequency of 1.6e-05 in 249662 control chromosomes (gnomAD). The available data on variant occurrences in the general population are insufficient to allow any conclusion about variant significance. c.1006G>A has been reported in the literature in an individual affected with Congenital factor VII deficiency (Lou_2023). These data do not allow any conclusion about variant significance. This publication also reports experimental evidence evaluating an impact on protein function, finding that the variant does not result in a significant change in FVII:Ag levels but does significantly inhibit procoagulant activity (FVIII:C). The following publication has been ascertained in the context of this evaluation (PMID: 36951360). ClinVar contains an entry for this variant (Variation ID: 881853). Based on the evidence outlined above, the variant was classified as VUS-possibly pathogenic.

Illumina Laboratory Services, Illumina
Classification: Uncertain significance for Congenital factor VII deficiency. Last evaluated: 2018-01-12. Review status: criteria provided, single submitter. Criteria: ICSL Variant Classification Criteria 13 December 2019. Collection method: clinical testing. Allele origin: germline.

Literature cited by the submitters: PubMed 36951360 (cited by Women's Health and Genetics/Laboratory Corporation of America, LabCorp).